The following is an entry in ClinVar:

ClinVar aggregate classification (germline): Uncertain significance. Review status: criteria provided, multiple submitters, no conflicts (2 of 4 stars). 5 submissions from 4 submitters: Uncertain significance (5). Last evaluated 2025-12-09.

Conditions:
Colorectal cancer. Also called: Malignant Colorectal Neoplasm; Colorectal cancer, somatic. Identifiers: MedGen C0346629, MONDO:0005575, OMIM 114500.
Retinitis pigmentosa 35 (RP35). Identifiers: Orphanet 791, MedGen C1853214, MONDO:0012463, OMIM 610282.
Cone-rod dystrophy 10 (CORD10). Identifiers: Orphanet 1872, MedGen C1846529, MONDO:0012464, OMIM 610283.

Allele frequency attached by ClinVar (database versions not stated): gnomAD 0.00004 and 0.00006; TOPMed 0.00004; 1000 Genomes Project 30x 0.00016; 1000 Genomes Project 0.00020; gnomAD exomes 0.00021; ExAC 0.00029.
gnomAD v4.1: 180 of 1,614,140 alleles (0.011%); highest among the groups gnomAD compares: South Asian, 0.17%; no homozygotes.

Submissions (5):

Labcorp Genetics (formerly Invitae), Labcorp
Classification: Uncertain significance. Last evaluated: 2025-12-09. Review status: criteria provided, single submitter. Criteria: Invitae Variant Classification Sherloc (09022015). Collection method: clinical testing. Allele origin: germline.
Comment: This sequence change replaces arginine, which is basic and polar, with glutamine, which is neutral and polar, at codon 494 of the SEMA4A protein (p.Arg494Gln). This variant is present in population databases (rs559896573, gnomAD 0.2%), and has an allele count higher than expected for a pathogenic variant. This variant has not been reported in the literature in individuals affected with SEMA4A-related conditions. ClinVar contains an entry for this variant (Variation ID: 599330). Invitae Evidence Modeling of protein sequence and biophysical properties (such as structural, functional, and spatial information, amino acid conservation, physicochemical variation, residue mobility, and thermodynamic stability) indicates that this missense variant is not expected to disrupt SEMA4A protein function with a negative predictive value of 80%. In summary, the available evidence is currently insufficient to determine the role of this variant in disease. Therefore, it has been classified as a Variant of Uncertain Significance.

Ambry Genetics
Classification: Uncertain significance. Last evaluated: 2025-01-04. Review status: criteria provided, single submitter. Criteria: Ambry Variant Classification Scheme 2023. Collection method: clinical testing. Allele origin: germline.

Genome-Nilou Lab
Classification: Uncertain significance for Cone-rod dystrophy 10. Last evaluated: 2023-04-11. Review status: criteria provided, single submitter. Criteria: ACMG Guidelines, 2015. Collection method: clinical testing. Allele origin: germline. Affected: no.

Genome-Nilou Lab
Classification: Uncertain significance for Retinitis pigmentosa 35. Last evaluated: 2023-04-11. Review status: criteria provided, single submitter. Criteria: ACMG Guidelines, 2015. Collection method: clinical testing. Allele origin: germline. Affected: no.

CSER _CC_NCGL, University of Washington
Classification: Uncertain significance for Colorectal cancer. Last evaluated: 2015-02-01. Review status: criteria provided, single submitter. Criteria: Amendola et al. (Genome Res. 2015). Collection method: research. Allele origin: germline. Affected: no. Study: CSER - NEXT Medicine variant annotation.
Comment: This interpretation considers GERP score and allele frequency data, in addition to published reports of the variant in the literature, available at the time of review.

NM_022367.4(SEMA4A):c.1481G>A (p.Arg494Gln)

Gene: SEMA4A (semaphorin 4A; plus strand). Cytogenetic location: 1q22.
Variant type: single nucleotide variant.
Coding change: c.1481G>A on transcript NM_022367.4 (MANE Select); coding-DNA position 1481, G replaced by A.
Protein change: p.Arg494Gln; replaces arginine 494 with glutamine.
Molecular consequence: missense variant.
Genome position (GRCh38, 1-based): chr1:156,175,132, G>A. VCF-style: chr1-156175132-G-A. GRCh37 (hg19) VCF-style: chr1-156144923-G-A.
Other names: c.1481G>A, p.Arg494Gln (NM_001193300.2, NM_001193301.2, NM_001370567.1); c.1085G>A, p.Arg362Gln (NM_001193302.2); c.1184G>A, p.Arg395Gln (NM_001370568.1); c.974G>A, p.Arg325Gln (NM_001370569.1, NM_001370571.1); short protein forms R494Q, R395Q, R325Q, R362Q.
Identifiers: ClinVar variation 599330 (VCV000599330.13), dbSNP rs559896573, ClinGen allele CA1155382.
Genomic context (GRCh38, chr1:156,175,132, plus strand): 5'-CATCTCTCTTCCAGGGTGCAGTGTTTGTAGGCTTCTCAGGAGGTGTCTGGAGGGTGCCCC[G>A]AGCCAACTGTAGTGTCTATGAGAGCTGTGTGGACTGTGTCCTTGCCCGGGACCCCCACTG-3'
Protein context (NP_071762.2, residues 484-504): GFSGGVWRVP[Arg494Gln]ANCSVYESCV